The following is an entry in ClinVar:

ClinVar aggregate classification (germline): Likely pathogenic. Review status: criteria provided, multiple submitters, no conflicts (2 of 4 stars). 2 submissions from 2 submitters: Likely pathogenic (2). Last evaluated 2024-09-09.

Conditions:
Pseudohypoaldosteronism type 2E (PHA2E). Also called: Pseudohypoaldosteronism Type IIE. Identifiers: Orphanet 300530, Orphanet 757, MedGen C3469606, MONDO:0013782, OMIM 614496.
CUL3-related disorder. Also called: CUL3-related condition; CUL3-related disorders.

Submissions (2):

3billion
Classification: Likely pathogenic for Pseudohypoaldosteronism type 2E. Last evaluated: 2024-09-09. Review status: criteria provided, single submitter. Criteria: ACMG Guidelines, 2015. Collection method: clinical testing. Allele origin: germline. Affected: yes.
Comment: The variant is not observed in the gnomAD v4.0.0 dataset. Predicted Consequence/Location: Intron variant In silico tools predict the variant to alter splicing and produce an abnormal transcript [SpliceAI: 0.33 (>=0.2, moderate evidence for spliceogenicity)]. The variant has been previously reported as assumed de novo in a similarly affected individual (PMID: 34622103). Therefore, this variant is classified as Likely pathogenic according to the recommendation of ACMG/AMP guideline.

Blueprint Genetics
Classification: Likely pathogenic for CUL3-related disorders. Last evaluated: 2023-10-04. Review status: criteria provided, single submitter. Criteria: ACMG Guidelines, 2015. Collection method: clinical testing. Allele origin: germline. Affected: yes. Observed: 1 variant allele.

Literature cited by the submitters: PubMed 34622103 (cited by 3billion).

NM_003590.5(CUL3):c.1377+4A>G

Gene: CUL3 (cullin 3; minus strand). Cytogenetic location: 2q36.2.
Variant type: single nucleotide variant.
Coding change: c.1377+4A>G on transcript NM_003590.5 (MANE Select); 4 bases into the intron after coding-DNA position 1377, A replaced by G.
Molecular consequence: intron variant.
Genome position (GRCh38, 1-based): chr2:224,503,648, T>C on the plus strand (A>G on the coding strand, the complement: CUL3 is on the minus strand). VCF-style: chr2-224503648-T-C. GRCh37 (hg19) VCF-style: chr2-225368365-T-C.
Other names: c.1179+4A>G (NM_001257197.2); c.1395+4A>G (NM_001257198.2).
Identifiers: ClinVar variation 4293424 (VCV004293424.2).